The following is an entry in ClinVar:

NM_012144.4(DNAI1):c.1401+3_1401+10del

Gene: DNAI1 (dynein axonemal intermediate chain 1; plus strand). Cytogenetic location: 9p13.3.
Variant type: Deletion.
Coding change: c.1401+3_1401+10del on transcript NM_012144.4 (MANE Select); bases 3 to 10 of the intron after coding-DNA position 1401, 8 bases deleted (GCCTATTT; older notation c.1401+3_1401+10delGCCTATTT).
Molecular consequence: splice donor variant.
Genome position (GRCh38, 1-based): chr9:34,512,201-34,512,208, GCCTATTT deleted; deleting any 8 consecutive bases within chr9:34,512,200-34,512,208 gives the same sequence; the c. name uses the placement nearest the transcript's 3' end. VCF-style (leftmost placement, unchanged base first): chr9-34512199-GTGCCTATT-G. GRCh37 (hg19) VCF-style: chr9-34512197-GTGCCTATT-G.
Other names: c.1413+3_1413+10del (NM_001281428.2).
Identifiers: ClinVar variation 950000 (VCV000950000.8), dbSNP rs765551840, ClinGen allele CA5034371.

ClinVar aggregate classification (germline): Uncertain significance. Review status: criteria provided, single submitter (1 of 4 stars). 2 submissions from 2 submitters: Uncertain significance (1). 1 of the submissions does not count toward it. Last evaluated 2022-09-22.

Conditions:
Primary ciliary dyskinesia. Also called: Ciliary dyskinesia. Identifiers: Orphanet 244, MedGen C0008780, MONDO:0016575, HP:0012265.

Submissions (2):

Labcorp Genetics (formerly Invitae), Labcorp
Classification: Uncertain significance for Primary ciliary dyskinesia. Last evaluated: 2022-09-22. Review status: criteria provided, single submitter. Criteria: Invitae Variant Classification Sherloc (09022015). Collection method: clinical testing. Allele origin: germline.
Comment: This sequence change falls in intron 14 of the DNAI1 gene. It does not directly change the encoded amino acid sequence of the DNAI1 protein. It affects a nucleotide within the consensus splice site. This variant is present in population databases (rs765551840, gnomAD 0.003%). This variant has not been reported in the literature in individuals affected with DNAI1-related conditions. ClinVar contains an entry for this variant (Variation ID: 950000). Variants that disrupt the consensus splice site are a relatively common cause of aberrant splicing (PMID: 17576681, 9536098). Algorithms developed to predict the effect of sequence changes on RNA splicing suggest that this variant may disrupt the consensus splice site. In summary, the available evidence is currently insufficient to determine the role of this variant in disease. Therefore, it has been classified as a Variant of Uncertain Significance.

Natera, Inc.
Classification: Uncertain significance for Primary ciliary dyskinesia. Last evaluated: 2020-02-13. Review status: no assertion criteria provided. Collection method: clinical testing. Allele origin: germline. Not counted in ClinVar's aggregate classification.

Literature cited by the submitters: PubMed 17576681 (cited by Labcorp Genetics (formerly Invitae), Labcorp); PubMed 9536098 (cited by Labcorp Genetics (formerly Invitae), Labcorp).